The following is an entry in ClinVar:

NM_004168.4(SDHA):c.1042A>G (p.Thr348Ala)

Gene: SDHA (succinate dehydrogenase complex flavoprotein subunit A; plus strand). Cytogenetic location: 5p15.33.
Variant type: single nucleotide variant.
Coding change: c.1042A>G on transcript NM_004168.4 (MANE Select); coding-DNA position 1042, A replaced by G.
Protein change: p.Thr348Ala; replaces threonine 348 with alanine.
Molecular consequence: missense variant.
Genome position (GRCh38, 1-based): chr5:233,623, A>G. VCF-style: chr5-233623-A-G. GRCh37 (hg19) VCF-style: chr5-233738-A-G.
Other names: c.898A>G, p.Thr300Ala (NM_001294332.2); c.1042A>G, p.Thr348Ala (NM_001330758.2); short protein forms T348A, T300A.
Identifiers: ClinVar variation 486357 (VCV000486357.18), dbSNP rs371484111, ClinGen allele CA359012961.
Genomic context (GRCh38, chr5:233,623, plus strand): 5'-GAGCGATACGCCCCTGTCGCGAAGGACCTGGCGTCTAGAGATGTGGTGTCTCGGTCCATG[A>G]CTCTGGAGATCCGAGAAGGAAGGTGCGTGTGATTTACCACCAGCACTGTCTGAGCGGGCA-3'
Protein context (NP_004159.2, residues 338-358): ASRDVVSRSM[Thr348Ala]LEIREGRGCG

ClinVar aggregate classification (germline): Uncertain significance. Review status: criteria provided, multiple submitters, no conflicts (2 of 4 stars). 3 submissions from 3 submitters: Uncertain significance (3). Last evaluated 2025-12-14.

Conditions:
Mitochondrial complex II deficiency, nuclear type 1. Also called: SUCCINATE CoQ REDUCTASE DEFICIENCY. Identifiers: Orphanet 3208, MedGen C5700310, MONDO:0100294, OMIM 252011.
Pheochromocytoma/paraganglioma syndrome 5. Also called: Paragangliomas 5; SDHA-Related Hereditary Paraganglioma-Pheochromocytoma Syndrome. Identifiers: Orphanet 29072, MedGen C3279992, MONDO:0013602, OMIM 614165.
Hereditary cancer-predisposing syndrome. Also called: Neoplastic Syndromes, Hereditary; Hereditary Cancer Syndrome; Hereditary neoplastic syndrome; Tumor predisposition. Identifiers: Orphanet 140162, MedGen C0027672, MeSH D009386, MONDO:0015356.
Dilated cardiomyopathy 1GG (CMD1GG). Identifiers: Orphanet 154, MedGen C3150898, MONDO:0013339, OMIM 613642.

gnomAD v4.1: 2 of 1,613,892 alleles (0.00012%); highest among the groups gnomAD compares: Non-Finnish European, 0.00017%; no homozygotes.

Submissions (3):

Labcorp Genetics (formerly Invitae), Labcorp
Classification: Uncertain significance for Pheochromocytoma/paraganglioma syndrome 5; Mitochondrial complex II deficiency, nuclear type 1. Last evaluated: 2025-12-14. Review status: criteria provided, single submitter. Criteria: Invitae Variant Classification Sherloc (09022015). Collection method: clinical testing. Allele origin: germline.
Comment: This sequence change replaces threonine, which is neutral and polar, with alanine, which is neutral and non-polar, at codon 348 of the SDHA protein (p.Thr348Ala). This variant is not present in population databases (gnomAD no frequency). This variant has not been reported in the literature in individuals affected with SDHA-related conditions. ClinVar contains an entry for this variant (Variation ID: 486357). Invitae Evidence Modeling of protein sequence and biophysical properties (such as structural, functional, and spatial information, amino acid conservation, physicochemical variation, residue mobility, and thermodynamic stability) indicates that this missense variant is not expected to disrupt SDHA protein function with a negative predictive value of 95%. In summary, the available evidence is currently insufficient to determine the role of this variant in disease. Therefore, it has been classified as a Variant of Uncertain Significance.

Ambry Genetics
Classification: Uncertain significance for Hereditary cancer-predisposing syndrome. Last evaluated: 2025-08-20. Review status: criteria provided, single submitter. Criteria: Ambry Variant Classification Scheme 2023. Collection method: clinical testing. Allele origin: germline.
Comment: The p.T348A variant (also known as c.1042A>G), located in coding exon 8 of the SDHA gene, results from an A to G substitution at nucleotide position 1042. The threonine at codon 348 is replaced by alanine, an amino acid with similar properties. This amino acid position is highly conserved in available vertebrate species. In addition, the in silico prediction for this alteration is inconclusive. Since supporting evidence is limited at this time, the clinical significance of this alteration remains unclear.

Baylor Genetics
Classification: Uncertain significance for Dilated cardiomyopathy 1GG. Last evaluated: 2023-11-03. Review status: criteria provided, single submitter. Criteria: ACMG Guidelines, 2015. Collection method: clinical testing. Allele origin: unknown.